The following is an entry in ClinVar:

NM_006929.5(SKIC2):c.2088G>A (p.Glu696=)

Gene: SKIC2 (SKI2 subunit of superkiller complex; plus strand). Cytogenetic location: 6p21.33.
Variant type: single nucleotide variant.
Coding change: c.2088G>A on transcript NM_006929.5 (MANE Select); coding-DNA position 2088, G replaced by A.
Protein change: p.Glu696=; no amino-acid change (glutamic acid 696 retained).
Molecular consequence: synonymous variant.
Genome position (GRCh38, 1-based): chr6:31,965,899, G>A. VCF-style: chr6-31965899-G-A. GRCh37 (hg19) VCF-style: chr6-31933676-G-A.
Other names: p.Glu696=; c.2088G>A (NM_006929.4).
Identifiers: ClinVar variation 1585078 (VCV001585078.10), dbSNP rs756413814, ClinGen allele CA3729682.

ClinVar aggregate classification (germline): Likely benign. Review status: criteria provided, multiple submitters, no conflicts (2 of 4 stars). 3 submissions from 3 submitters: Likely benign (3). Last evaluated 2026-02-07.

Conditions:
SKIC2-related disorder. Also called: SKIC2-related condition.

Allele frequency attached by ClinVar (database versions not stated): gnomAD exomes 0.00001; ExAC 0.00002; TOPMed 0.00002; gnomAD 0.00003 and 0.00004.
gnomAD v4.1: 36 of 1,612,958 alleles (0.0022%); highest among the groups gnomAD compares: Admixed American, 0.0033%; no homozygotes.

Submissions (3):

PreventionGenetics, part of Exact Sciences
Classification: Likely benign for SKIC2-related condition. Last evaluated: 2026-02-07. Review status: criteria provided, single submitter. Criteria: ACMG Guidelines, 2015. Collection method: clinical testing. Allele origin: germline.
Comment: This variant is classified as likely benign based on ACMG/AMP sequence variant interpretation guidelines (Richards et al. 2015 PMID: 25741868, with internal and published modifications).

Mayo Clinic Laboratories, Mayo Clinic
Classification: Likely benign. Last evaluated: 2025-04-28. Review status: criteria provided, single submitter. Criteria: ACMG Guidelines, 2015. Collection method: clinical testing. Allele origin: germline. Observed: 1 variant allele.
Comment: BP4, BP7

Labcorp Genetics (formerly Invitae), Labcorp
Classification: Likely benign. Last evaluated: 2024-11-27. Review status: criteria provided, single submitter. Criteria: Invitae Variant Classification Sherloc (09022015). Collection method: clinical testing. Allele origin: germline.